The following is an entry in ClinVar:

ClinVar aggregate classification (germline): Uncertain significance (1 of 4 stars; one submission).

Allele frequency attached by ClinVar (database versions not stated): ExAC 0.00002; gnomAD exomes 0.00002.
gnomAD v4.1: 28 of 1,614,020 alleles (0.0017%); highest among the groups gnomAD compares: Non-Finnish European, 0.002%; no homozygotes.

Submission:

Labcorp Genetics (formerly Invitae), Labcorp
Classification: Uncertain significance. Last evaluated: 2025-10-14. Review status: criteria provided, single submitter. Criteria: Invitae Variant Classification Sherloc (09022015). Collection method: clinical testing. Allele origin: germline.
Comment: This sequence change replaces isoleucine, which is neutral and non-polar, with valine, which is neutral and non-polar, at codon 375 of the JAK1 protein (p.Ile375Val). This variant is present in population databases (rs781682542, gnomAD 0.01%). This variant has not been reported in the literature in individuals affected with JAK1-related conditions. ClinVar contains an entry for this variant (Variation ID: 1930268). Invitae Evidence Modeling of protein sequence and biophysical properties (such as structural, functional, and spatial information, amino acid conservation, physicochemical variation, residue mobility, and thermodynamic stability) indicates that this missense variant is not expected to disrupt JAK1 protein function with a negative predictive value of 80%. In summary, the available evidence is currently insufficient to determine the role of this variant in disease. Therefore, it has been classified as a Variant of Uncertain Significance.

NM_002227.4(JAK1):c.1123A>G (p.Ile375Val)

Gene: JAK1 (Janus kinase 1; minus strand). Cytogenetic location: 1p31.3.
Variant type: single nucleotide variant.
Coding change: c.1123A>G on transcript NM_002227.4 (MANE Select); coding-DNA position 1123, A replaced by G.
Protein change: p.Ile375Val; replaces isoleucine 375 with valine.
Molecular consequence: missense variant.
Genome position (GRCh38, 1-based): chr1:64,864,840, T>C on the plus strand (A>G on the coding strand, the complement: JAK1 is on the minus strand). VCF-style: chr1-64864840-T-C. GRCh37 (hg19) VCF-style: chr1-65330523-T-C.
Other names: c.1123A>G, p.Ile375Val (NM_001320923.2, NM_001321852.2, NM_001321853.2 and 4 more transcripts); short protein forms I375V.
Identifiers: ClinVar variation 1930268 (VCV001930268.5), dbSNP rs781682542, ClinGen allele CA893026.